The following is an entry in ClinVar:

NM_001194998.2(CEP152):c.2327_2328insTG (p.Lys776fs)

Gene: CEP152 (centrosomal protein 152; minus strand). Cytogenetic location: 15q21.1.
Variant type: Insertion.
Coding change: c.2327_2328insTG on transcript NM_001194998.2 (MANE Select); coding-DNA positions 2327 to 2328, TG inserted.
Protein change: p.Lys776fs; shifts the reading frame from lysine 776.
Molecular consequence: frameshift variant.
Genome position: GRCh38 VCF-style: chr15-48762625-C-CCA. GRCh37 (hg19) VCF-style: chr15-49054822-C-CCA.
Other names: p.Lys776Asnfs*7; c.2327_2328insTG, p.Lys776fs (NM_014985.4); short protein forms K776fs.
Identifiers: ClinVar variation 2979794 (VCV002979794.4), dbSNP rs1894770954, ClinGen allele CA969567017.
Genomic context (GRCh38, chr15:48,762,625, plus strand): 5'-GTCAGTTTGGCTGCCACAATCTAAGGTCTTCTTTTTCATTGCCTTTATAGTTTGATCCAG[C>CCA]TTAGACTGCCACTCCTTTTCAAGCTGTTGAATGAGTTTTTCTTTGATCTGTTTTCAGAAG-3'

ClinVar aggregate classification (germline): Pathogenic. Review status: criteria provided, multiple submitters, no conflicts (2 of 4 stars). 2 submissions from 2 submitters: Pathogenic (2). Last evaluated 2026-10-31.

Conditions:
Seckel syndrome 5 (SCKL5). Identifiers: Orphanet 808, MedGen C3151187, MONDO:0013443, OMIM 613823.
Microcephaly 9, primary, autosomal recessive. Identifiers: Orphanet 2512, MedGen C3553886, MONDO:0013923, OMIM 614852.

Allele frequency attached by ClinVar (database versions not stated): gnomAD exomes below 0.00001; gnomAD 0.00001.

Submissions (2):

Department of Molecular Genetics, Istishari Arab Hospital
Classification: Pathogenic for Seckel syndrome 5; Microcephaly 9, primary, autosomal recessive. Last evaluated: 2026-10-31. Review status: criteria provided, single submitter. Criteria: ACMG Guidelines, 2015. Collection method: clinical testing. Allele origin: germline. Inheritance: Autosomal recessive inheritance. Affected: yes.
Comment: The CEP152 variant c.2327_2328insTG, p.Lys776Asnfs*7, creates a shift in the reading frame at position 776 in exon 18 (of 27), which results in termination of normal protein function 7 codons downstream. The variant is observed with very low frequency in the gnomAD v4.1.0 dataset (<0.001) and, to the best of our knowledge, has not been reported in the literature; however, loss-of-function variants in CEP152 are known to be pathogenic (PMID: 21131973). It is classified as pathogenic based on the ACMG/AMP/ClinGen SVI guidelines.

Labcorp Genetics (formerly Invitae), Labcorp
Classification: Pathogenic. Last evaluated: 2024-10-29. Review status: criteria provided, single submitter. Criteria: Invitae Variant Classification Sherloc (09022015). Collection method: clinical testing. Allele origin: germline.
Comment: This sequence change creates a premature translational stop signal (p.Lys776Asnfs*7) in the CEP152 gene. It is expected to result in an absent or disrupted protein product. Loss-of-function variants in CEP152 are known to be pathogenic (PMID: 21131973). This variant is not present in population databases (gnomAD no frequency). This variant has not been reported in the literature in individuals affected with CEP152-related conditions. ClinVar contains an entry for this variant (Variation ID: 2979794). For these reasons, this variant has been classified as Pathogenic.

Literature cited by the submitters: PubMed 21131973 (cited by Department of Molecular Genetics, Istishari Arab Hospital and Labcorp Genetics (formerly Invitae), Labcorp).